The following is an entry in ClinVar:

NM_003131.4(SRF):c.1411T>G (p.Ser471Ala)

Gene: SRF (serum response factor; plus strand). Cytogenetic location: 6p21.1.
Variant type: single nucleotide variant.
Coding change: c.1411T>G on transcript NM_003131.4 (MANE Select); coding-DNA position 1411, T replaced by G.
Protein change: p.Ser471Ala; replaces serine 471 with alanine.
Molecular consequence: missense variant.
Genome position (GRCh38, 1-based): chr6:43,178,862, T>G. VCF-style: chr6-43178862-T-G. GRCh37 (hg19) VCF-style: chr6-43146600-T-G.
Other names: c.799T>G, p.Ser267Ala (NM_001292001.2); short protein forms S267A, S471A.
Identifiers: ClinVar variation 2656578 (VCV002656578.24), dbSNP rs747014595, ClinGen allele CA364210488.

ClinVar aggregate classification (germline): Uncertain significance (1 of 4 stars; one submission).

Submission:

CeGaT Center for Human Genetics Tuebingen
Classification: Uncertain significance. Last evaluated: 2022-11-01. Review status: criteria provided, single submitter. Criteria: CeGaT Center For Human Genetics Tuebingen Variant Classification Criteria Version 2. Collection method: clinical testing. Allele origin: germline. Affected: yes. Observed: 1 variant allele.
Comment: SRF: PM2